The following is an entry in ClinVar:

ClinVar aggregate classification (germline): Uncertain significance. Review status: criteria provided, multiple submitters, no conflicts (2 of 4 stars). 2 submissions from 2 submitters: Uncertain significance (2). Last evaluated 2024-01-27.

Conditions:
Colorectal cancer susceptibility 12.
Hereditary cancer-predisposing syndrome. Also called: Neoplastic Syndromes, Hereditary; Hereditary Cancer Syndrome; Tumor predisposition; Hereditary neoplastic syndrome. Identifiers: Orphanet 140162, MedGen C0027672, MeSH D009386, MONDO:0015356.

Submissions (2):

Ambry Genetics
Classification: Uncertain significance for Hereditary cancer-predisposing syndrome. Last evaluated: 2024-01-27. Review status: criteria provided, single submitter. Criteria: Ambry Variant Classification Scheme 2023. Collection method: clinical testing. Allele origin: germline.
Comment: The p.E1253K variant (also known as c.3757G>A), located in coding exon 30 of the POLE gene, results from a G to A substitution at nucleotide position 3757. The glutamic acid at codon 1253 is replaced by lysine, an amino acid with similar properties. This amino acid position is conserved. In addition, this alteration is predicted to be tolerated by in silico analysis. Based on the available evidence, the clinical significance of this alteration remains unclear.

Human Genome Sequencing Center Clinical Lab, Baylor College of Medicine
Classification: Uncertain significance for Colorectal cancer susceptibility 12. Review status: criteria provided, single submitter. Criteria: ACMG Guidelines, 2015. Collection method: clinical testing. Allele origin: germline.

NM_006231.4(POLE):c.3757G>A (p.Glu1253Lys)

Gene: POLE (DNA polymerase epsilon, catalytic subunit; minus strand). Cytogenetic location: 12q24.33.
Variant type: single nucleotide variant.
Coding change: c.3757G>A on transcript NM_006231.4 (MANE Select); coding-DNA position 3757, G replaced by A.
Protein change: p.Glu1253Lys; replaces glutamic acid 1253 with lysine.
Molecular consequence: missense variant.
Genome position (GRCh38, 1-based): chr12:132,649,715, C>T on the plus strand (G>A on the coding strand, the complement: POLE is on the minus strand). VCF-style: chr12-132649715-C-T. GRCh37 (hg19) VCF-style: chr12-133226301-C-T.
Other names: short protein forms E1253K.
Identifiers: ClinVar variation 979119 (VCV000979119.2), dbSNP rs1184564186, ClinGen allele CA387386109.